The following is an entry in ClinVar:

ClinVar aggregate classification (germline): Uncertain significance (1 of 4 stars; one submission).

Conditions:
Fetal akinesia-cerebral and retinal hemorrhage syndrome. Also called: MYOPATHY, CENTRONUCLEAR, LETHAL, AUTOSOMAL RECESSIVE; Lethal congenital contracture syndrome 5. Identifiers: Orphanet 363409, MedGen C4706410, MONDO:0014149, OMIM 615368.

Submission:

Juno Genomics, Hangzhou Juno Genomics, Inc
Classification: Uncertain significance for Fetal akinesia-cerebral and retinal hemorrhage syndrome. Review status: criteria provided, single submitter. Criteria: ACMG Guidelines, 2015. Collection method: clinical testing. Allele origin: germline.
Comment: Absent from controls (or at extremely low frequency if recessive) in Genome Aggregation Database.;Multiple lines of computational evidence support a deleterious effect on the gene or gene product.;Missense variant in a gene that has a low rate of benign missense variation.

NM_001005361.3(DNM2):c.453C>A (p.Asp151Glu)

Gene: DNM2 (dynamin 2; plus strand). Cytogenetic location: 19p13.2.
Variant type: single nucleotide variant.
Coding change: c.453C>A on transcript NM_001005361.3 (MANE Select); coding-DNA position 453, C replaced by A.
Protein change: p.Asp151Glu; replaces aspartic acid 151 with glutamic acid.
Molecular consequence: missense variant.
Genome position (GRCh38, 1-based): chr19:10,775,770, C>A. VCF-style: chr19-10775770-C-A. GRCh37 (hg19) VCF-style: chr19-10886446-C-A.
Other names: c.453C>A, p.Asp151Glu (NM_001005360.3, NM_001005362.3, NM_001190716.2 and 1 more transcripts); short protein forms D151E.
Identifiers: ClinVar variation 5007656 (VCV005007656.2).